The following is an entry in ClinVar:

NM_001367823.1(ARHGEF18):c.2790G>T (p.Lys930Asn)

Gene: ARHGEF18 (Rho/Rac guanine nucleotide exchange factor 18; plus strand). Cytogenetic location: 19p13.2.
Variant type: single nucleotide variant.
Coding change: c.2790G>T on transcript NM_001367823.1 (MANE Select); coding-DNA position 2790, G replaced by T.
Protein change: p.Lys930Asn; replaces lysine 930 with asparagine.
Molecular consequence: missense variant.
Genome position (GRCh38, 1-based): chr19:7,464,576, G>T. VCF-style: chr19-7464576-G-T. GRCh37 (hg19) VCF-style: chr19-7529462-G-T.
Other names: c.2064G>T, p.Lys688Asn (NM_001130955.2); c.1752G>T, p.Lys584Asn (NM_001367824.1, NM_015318.4); c.2226G>T (NM_001130955.1); short protein forms K584N, K688N, K930N.
Identifiers: ClinVar variation 1019686 (VCV001019686.12), dbSNP rs772069376, ClinGen allele CA9136990.

ClinVar aggregate classification (germline): Uncertain significance. Review status: criteria provided, multiple submitters, no conflicts (2 of 4 stars). 3 submissions from 3 submitters: Uncertain significance (3). Last evaluated 2024-04-02.

Conditions:
Inborn genetic diseases. Identifiers: MedGen C0950123, MeSH D030342.

Allele frequency attached by ClinVar (database versions not stated): gnomAD exomes 0.00001; TOPMed 0.00003.
gnomAD v4.1: 15 of 1,611,348 alleles (0.00093%); highest among the groups gnomAD compares: Middle Eastern, 0.05%; no homozygotes.

Submissions (3):

Blueprint Genetics
Classification: Uncertain significance. Last evaluated: 2024-04-02. Review status: criteria provided, single submitter. Criteria: ACMG Guidelines, 2015. Collection method: clinical testing. Allele origin: germline.

Labcorp Genetics (formerly Invitae), Labcorp
Classification: Uncertain significance. Last evaluated: 2023-11-27. Review status: criteria provided, single submitter. Criteria: Invitae Variant Classification Sherloc (09022015). Collection method: clinical testing. Allele origin: germline.
Comment: This sequence change replaces lysine, which is basic and polar, with asparagine, which is neutral and polar, at codon 742 of the ARHGEF18 protein (p.Lys742Asn). This variant is present in population databases (rs772069376, gnomAD 0.03%). This variant has not been reported in the literature in individuals affected with ARHGEF18-related conditions. ClinVar contains an entry for this variant (Variation ID: 1019686). An algorithm developed to predict the effect of missense changes on protein structure and function (PolyPhen-2) suggests that this variant is likely to be tolerated. In summary, the available evidence is currently insufficient to determine the role of this variant in disease. Therefore, it has been classified as a Variant of Uncertain Significance.

Ambry Genetics
Classification: Uncertain significance for Inborn genetic diseases. Last evaluated: 2023-09-21. Review status: criteria provided, single submitter. Criteria: Ambry Variant Classification Scheme 2023. Collection method: clinical testing. Allele origin: germline.